The following is an entry in ClinVar:

ClinVar aggregate classification (germline): Uncertain significance (1 of 4 stars; one submission).

Submission:

Labcorp Genetics (formerly Invitae), Labcorp
Classification: Uncertain significance. Last evaluated: 2022-06-23. Review status: criteria provided, single submitter. Criteria: Invitae Variant Classification Sherloc (09022015). Collection method: clinical testing. Allele origin: germline.
Comment: This variant is present in population databases (rs754036949, gnomAD 0.0009%). This sequence change creates a premature translational stop signal (p.Ser270Leufs*9) in the MOCS3 gene. While this is not anticipated to result in nonsense mediated decay, it is expected to disrupt the last 191 amino acid(s) of the MOCS3 protein. This variant has not been reported in the literature in individuals affected with MOCS3-related conditions. Experimental studies and prediction algorithms are not available or were not evaluated, and the functional significance of this variant is currently unknown. In summary, the available evidence is currently insufficient to determine the role of this variant in disease. Therefore, it has been classified as a Variant of Uncertain Significance.

NM_014484.5(MOCS3):c.809_810del (p.Ser270fs)

Gene: MOCS3 (molybdenum cofactor synthesis 3; plus strand). Cytogenetic location: 20q13.13.
Variant type: Microsatellite.
Coding change: c.809_810del on transcript NM_014484.5 (MANE Select); coding-DNA positions 809 to 810, 2 bases deleted (CT; older notation c.809_810delCT).
Protein change: p.Ser270fs; shifts the reading frame from serine 270.
Molecular consequence: frameshift variant.
Genome position (GRCh38, 1-based): chr20:50,959,651-50,959,652, CT deleted; deleting any 2 consecutive bases within chr20:50,959,649-50,959,652 gives the same sequence; the c. name uses the placement nearest the transcript's 3' end. VCF-style (leftmost placement, unchanged base first): chr20-50959648-CCT-C. GRCh37 (hg19) VCF-style: chr20-49576185-CCT-C.
Other names: short protein forms S270fs.
Identifiers: ClinVar variation 2095706 (VCV002095706.4), dbSNP rs754036949, ClinGen allele CA9909479.
Genomic context (GRCh38, chr20:50,959,648, plus strand): 5'-CCGGGGTCCTGGGCTGCCTGCAGGCCTTGGAAGTGCTGAAAATCGCTGCGGGTCTGGGCC[CCT>C]CTTACAGTGGCAGCTTGTTGCTCTTTGATGCCCTGAGAGGGCATTTCCGCTCTATTCGGC-3'